The following is an entry in ClinVar:

ClinVar aggregate classification (germline): Uncertain significance. Review status: criteria provided, multiple submitters, no conflicts (2 of 4 stars). 4 submissions from 4 submitters: Uncertain significance (4). Last evaluated 2025-06-12.

Conditions:
Fanconi anemia (FA). Also called: Fanconi's anemia. Identifiers: Orphanet 84, MedGen C0015625, MeSH D005199, MONDO:0019391.
Inborn genetic diseases. Identifiers: MedGen C0950123, MeSH D030342.
Fanconi anemia complementation group A (FANCA). Also called: FANCA-Related Fanconi Anemia; Fanconi anemia, group A. Identifiers: Orphanet 84, MedGen C3469521, MONDO:0009215, OMIM 227650.

Allele frequency attached by ClinVar (database versions not stated): gnomAD exomes below 0.00001; ExAC 0.00001.
gnomAD v4.1: 4 of 1,614,068 alleles (0.00025%); highest among the groups gnomAD compares: Non-Finnish European, 0.00034%; no homozygotes.

Submissions (4):

Ambry Genetics
Classification: Uncertain significance for Inborn genetic diseases. Last evaluated: 2025-06-12. Review status: criteria provided, single submitter. Criteria: Ambry Variant Classification Scheme 2023. Collection method: clinical testing. Allele origin: germline.
Comment: The p.Y1341S variant (also known as c.4022A>C), located in coding exon 41 of the FANCA gene, results from an A to C substitution at nucleotide position 4022. The tyrosine at codon 1341 is replaced by serine, an amino acid with dissimilar properties. This amino acid position is conserved. In addition, this alteration is predicted to be tolerated by in silico analysis. Based on the available evidence, the clinical significance of this variant remains unclear.

Baylor Genetics
Classification: Uncertain significance for Fanconi anemia complementation group A. Last evaluated: 2023-05-22. Review status: criteria provided, single submitter. Criteria: ACMG Guidelines, 2015. Collection method: clinical testing. Allele origin: unknown.

Blueprint Genetics
Classification: Uncertain significance. Last evaluated: 2021-09-17. Review status: criteria provided, single submitter. Criteria: ACMG Guidelines, 2015. Collection method: clinical testing. Allele origin: germline.

Labcorp Genetics (formerly Invitae), Labcorp
Classification: Uncertain significance for Fanconi anemia. Last evaluated: 2021-08-27. Review status: criteria provided, single submitter. Criteria: Invitae Variant Classification Sherloc (09022015). Collection method: clinical testing. Allele origin: germline.
Comment: This sequence change replaces tyrosine with serine at codon 1341 of the FANCA protein (p.Tyr1341Ser). The tyrosine residue is weakly conserved and there is a large physicochemical difference between tyrosine and serine. The frequency data for this variant in the population databases is considered unreliable, as metrics indicate poor data quality at this position in the ExAC database. This variant has not been reported in the literature in individuals affected with FANCA-related conditions. Algorithms developed to predict the effect of missense changes on protein structure and function output the following: SIFT: "Tolerated"; PolyPhen-2: "Benign"; Align-GVGD: "Class C0". The serine amino acid residue is found in multiple mammalian species, which suggests that this missense change does not adversely affect protein function. In summary, the available evidence is currently insufficient to determine the role of this variant in disease. Therefore, it has been classified as a Variant of Uncertain Significance.

NM_000135.4(FANCA):c.4022A>C (p.Tyr1341Ser)

Genes: FANCA (FA complementation group A; minus strand), ZNF276 (zinc finger protein 276; plus strand). Cytogenetic location: 16q24.3.
Variant type: single nucleotide variant.
Coding change: c.4022A>C on transcript NM_000135.4 (MANE Select); coding-DNA position 4022, A replaced by C.
Protein change: p.Tyr1341Ser; replaces tyrosine 1341 with serine.
Molecular consequence: missense variant. On other transcripts: 3 prime UTR variant (2), non-coding transcript variant (4).
Genome position (GRCh38, 1-based): chr16:89,739,278, T>G on the plus strand (A>C on the coding strand, the complement: FANCA is on the minus strand). VCF-style: chr16-89739278-T-G. GRCh37 (hg19) VCF-style: chr16-89805686-T-G.
Other names: c.4022A>C, p.Tyr1341Ser (NM_001286167.3); c.*1032T>G (NM_001113525.2, NM_152287.4); short protein forms Y1341S.
Identifiers: ClinVar variation 1364155 (VCV001364155.8), dbSNP rs768733593, ClinGen allele CA8250814.
Genomic context (GRCh38, chr16:89,739,278, plus strand): 5'-TACATGTCCACAGCAACATGCAGGAAGGCCTCTTCCCTGATGGCCGCGTCTTCATGGAAG[T>G]AGGAGAGAAGACTAGAGGTAAAGACATAGTGACAAATGGCTACAGACTGCTGGAAAGGTA-3'
Protein context (NP_000126.2, residues 1331-1351): LPFAFYSLLS[Tyr1341Ser]FHEDAAIREE